The following is an entry in ClinVar:

ClinVar aggregate classification (germline): Likely benign. Review status: criteria provided, multiple submitters, no conflicts (2 of 4 stars). 2 submissions from 2 submitters: Likely benign (2). Last evaluated 2025-05-30.

Conditions:
Intellectual developmental disorder, X-linked, syndromic, Hedera type. Also called: Syndromic X-linked intellectual disability Hedera type. Identifiers: Orphanet 93952, MedGen C1845543, MONDO:0010319, OMIM 300423.

Allele frequency attached by ClinVar (database versions not stated): gnomAD 0.00003; ExAC 0.00005; TOPMed 0.00002; gnomAD exomes 0.00001 and 0.00002.
gnomAD v4.1: 21 of 1,201,038 alleles (0.0017%); highest among the groups gnomAD compares: Non-Finnish European, 0.0023%; no homozygotes.

Submissions (2):

Labcorp Genetics (formerly Invitae), Labcorp
Classification: Likely benign for Intellectual developmental disorder, X-linked, syndromic, Hedera type. Last evaluated: 2025-05-30. Review status: criteria provided, single submitter. Criteria: Invitae Variant Classification Sherloc (09022015). Collection method: clinical testing. Allele origin: germline.

GeneDx
Classification: Likely benign. Last evaluated: 2016-12-21. Review status: criteria provided, single submitter. Criteria: GeneDx Variant Classification (06012015). Collection method: clinical testing. Allele origin: germline. Affected: yes.
Comment: This variant is considered likely benign or benign based on one or more of the following criteria: it is a conservative change, it occurs at a poorly conserved position in the protein, it is predicted to be benign by multiple in silico algorithms, and/or has population frequency not consistent with disease.

NM_005765.3(ATP6AP2):c.300+19A>C

Gene: ATP6AP2 (ATPase H+ transporting accessory protein 2; plus strand). Cytogenetic location: Xp11.4.
Variant type: single nucleotide variant.
Coding change: c.300+19A>C on transcript NM_005765.3 (MANE Select); 19 bases into the intron after coding-DNA position 300, A replaced by C.
Molecular consequence: intron variant.
Genome position (GRCh38, 1-based): chrX:40,591,384, A>C. VCF-style: chrX-40591384-A-C. GRCh37 (hg19) VCF-style: chrX-40450636-A-C.
Identifiers: ClinVar variation 392017 (VCV000392017.9), dbSNP rs763279174, ClinGen allele CA10387185.